The following is an entry in ClinVar:

NC_000009.12:g.35658025TCAGCTTC[3]

Gene: RMRP (RNA component of mitochondrial RNA processing endoribonuclease; minus strand). Cytogenetic location: 9p13.3.
Variant type: Microsatellite.
Genome position: GRCh38 VCF-style: chr9-35658023-C-CCTCAGCTTCTCAGCTT. GRCh37 (hg19) VCF-style: chr9-35658020-C-CCTCAGCTTCTCAGCTT.
Identifiers: ClinVar variation 1963099 (VCV001963099.5), dbSNP rs1563907946, ClinGen allele CA2580616183.

ClinVar aggregate classification (germline): Pathogenic (1 of 4 stars; one submission).

Conditions:
Anauxetic dysplasia. Identifiers: Orphanet 93347, MedGen C1846796, MONDO:0011773.

Submission:

Labcorp Genetics (formerly Invitae), Labcorp
Classification: Pathogenic for Anauxetic dysplasia. Last evaluated: 2023-04-12. Review status: criteria provided, single submitter. Criteria: Invitae Variant Classification Sherloc (09022015). Collection method: clinical testing. Allele origin: germline.
Comment: This variant is not present in population databases (gnomAD no frequency). For these reasons, this variant has been classified as Pathogenic. While functional studies for this variant have not been reported, experimental analyses using patient derived cells, as well as in vitro transfection studies, have shown that promoter insertions result in silencing of RMRP transcription and reduced expression of the gene product (PMID: 11207361, 16254002). While this particular variant has not been reported in the literature, it is located in the promoter region between the TATA box and the transcription initiation site, and other insertions and duplications immediately upstream of the coding sequence have been reported in individuals affected with cartilage-hair hypoplasia-anauxetic dysplasia (CHH-AD) spectrum disorders (PMID: 16244706, 11207361, 12107819). This variant occurs in the RMRP gene, which encodes an RNA molecule that does not result in a protein product.

Literature cited by the submitters: PubMed 11207361; PubMed 16254002; PubMed 16244706; PubMed 12107819.